The following is an entry in ClinVar:

NM_033109.5(PNPT1):c.19T>G (p.Cys7Gly)

Genes: PNPT1 (polyribonucleotide nucleotidyltransferase 1; minus strand), LOC129933771 (ATAC-STARR-seq lymphoblastoid active region 15786; plus strand). Cytogenetic location: 2p16.1.
Variant type: single nucleotide variant.
Coding change: c.19T>G on transcript NM_033109.5 (MANE Select); coding-DNA position 19, T replaced by G.
Protein change: p.Cys7Gly; replaces cysteine 7 with glycine.
Molecular consequence: missense variant.
Genome position (GRCh38, 1-based): chr2:55,693,805, A>C on the plus strand (T>G on the coding strand, the complement: PNPT1 is on the minus strand). VCF-style: chr2-55693805-A-C. GRCh37 (hg19) VCF-style: chr2-55920940-A-C.
Other names: short protein forms C7G.
Identifiers: ClinVar variation 2000229 (VCV002000229.4), dbSNP rs2529646665, ClinGen allele CA346946864.

ClinVar aggregate classification (germline): Uncertain significance (1 of 4 stars; one submission).

Submission:

Labcorp Genetics (formerly Invitae), Labcorp
Classification: Uncertain significance. Last evaluated: 2024-05-22. Review status: criteria provided, single submitter. Criteria: Invitae Variant Classification Sherloc (09022015). Collection method: clinical testing. Allele origin: germline.
Comment: This sequence change replaces cysteine, which is neutral and slightly polar, with glycine, which is neutral and non-polar, at codon 7 of the PNPT1 protein (p.Cys7Gly). This variant is not present in population databases (gnomAD no frequency). This variant has not been reported in the literature in individuals affected with PNPT1-related conditions. ClinVar contains an entry for this variant (Variation ID: 2000229). Advanced modeling of protein sequence and biophysical properties (such as structural, functional, and spatial information, amino acid conservation, physicochemical variation, residue mobility, and thermodynamic stability) performed at Invitae indicates that this missense variant is expected to disrupt PNPT1 protein function with a positive predictive value of 95%. In summary, the available evidence is currently insufficient to determine the role of this variant in disease. Therefore, it has been classified as a Variant of Uncertain Significance.